The following is an entry in ClinVar:

NM_001159293.2(ZNF737):c.624A>G (p.Lys208=)

Gene: ZNF737 (zinc finger protein 737; minus strand). Cytogenetic location: 19p12.
Variant type: single nucleotide variant.
Coding change: c.624A>G on transcript NM_001159293.2 (MANE Select); coding-DNA position 624, A replaced by G.
Protein change: p.Lys208=; no amino-acid change (lysine 208 retained).
Molecular consequence: synonymous variant.
Genome position (GRCh38, 1-based): chr19:20,545,579, T>C on the plus strand (A>G on the coding strand, the complement: ZNF737 is on the minus strand). VCF-style: chr19-20545579-T-C. GRCh37 (hg19) VCF-style: chr19-20728385-T-C.
Identifiers: ClinVar variation 2649617 (VCV002649617.24), dbSNP rs973625759, ClinGen allele CA306404125.

ClinVar aggregate classification (germline): Likely benign (1 of 4 stars; one submission).

Submission:

CeGaT Center for Human Genetics Tuebingen
Classification: Likely benign. Last evaluated: 2023-03-01. Review status: criteria provided, single submitter. Criteria: CeGaT Center For Human Genetics Tuebingen Variant Classification Criteria Version 2. Collection method: clinical testing. Allele origin: germline. Affected: yes. Observed: 1 variant allele.
Comment: ZNF737: BP4, BP7